The following is an entry in ClinVar:

ClinVar aggregate classification (germline): Pathogenic (1 of 4 stars; one submission).

Conditions:
Refsum disease, classic. Also called: HEREDOPATHIA ATACTICA POLYNEURITIFORMIS; HMSN IV; PHYTANIC ACID OXIDASE DEFICIENCY; PHYH-Related Refsum Disease. Identifiers: Orphanet 773, MedGen C5780941, MONDO:1060256, OMIM 266500. Disease mechanism: loss of function.

Submission:

Myriad Genetics, Inc.
Classification: Pathogenic for Refsum disease, classic. Last evaluated: 2024-05-14. Review status: criteria provided, single submitter. Criteria: Myriad Autosomal Dominant, Autosomal Recessive and X-Linked Classification Criteria (2023). Collection method: clinical testing. Allele origin: unknown.
Comment: NM_006214.3(PHYH):c.566del1ins6(I189Sfs*31) is expected to be pathogenic in the context of Refsum disease, PHYH-related. This variant is predicted to lead to an abnormal or absent protein product due to the creation of a premature termination codon in PHYH, a gene where loss-of-function variants are known to be pathogenic. Please note: this variant was assessed in the context of healthy population screening.

NM_006214.4(PHYH):c.566delinsGCAGCA (p.Ile189fs)

Gene: PHYH (phytanoyl-CoA 2-hydroxylase; minus strand). Cytogenetic location: 10p13.
Variant type: Indel.
Coding change: c.566delinsGCAGCA on transcript NM_006214.4 (MANE Select); coding-DNA position 566, T replaced by GCAGCA.
Protein change: p.Ile189fs; shifts the reading frame from isoleucine 189.
Molecular consequence: frameshift variant. On other transcripts: intron variant (1).
Genome position (GRCh38, 1-based): chr10:13,288,472, A replaced by TGCTGC on the plus strand (T replaced by GCAGCA on the coding strand, the reverse complement: PHYH is on the minus strand). VCF-style: chr10-13288472-A-TGCTGC. GRCh37 (hg19) VCF-style: chr10-13330472-A-TGCTGC.
Other names: c.266delinsGCAGCA, p.Ile89fs (NM_001037537.2, NM_001323080.2); c.572delinsGCAGCA, p.Ile191fs (NM_001323082.2); c.272delinsGCAGCA, p.Ile91fs (NM_001323084.2); c.415-4633delinsGCAGCA (NM_001323083.2); short protein forms I189fs, I191fs, I89fs, I91fs.
Identifiers: ClinVar variation 5010368 (VCV005010368.1).